The following is an entry in ClinVar:

NM_001609.3(ACADSB):c.-89G>T

Gene: ACADSB (acyl-CoA dehydrogenase short/branched chain; plus strand). Cytogenetic location: 10q26.13.
Variant type: single nucleotide variant.
Coding change: c.-89G>T on transcript NM_001609.3; 89 bases upstream of the start codon, G replaced by T.
Genome position (GRCh38, 1-based): chr10:123,008,941, G>T. VCF-style: chr10-123008941-G-T. GRCh37 (hg19) VCF-style: chr10-124768457-G-T.
Identifiers: ClinVar variation 299064 (VCV000299064.8), dbSNP rs141443308, ClinGen allele CA10635109.

ClinVar aggregate classification (germline): Benign. Review status: criteria provided, multiple submitters, no conflicts (2 of 4 stars). 2 submissions from 2 submitters: Benign (2). Last evaluated 2018-01-12.

Conditions:
Deficiency of 2-methylbutyryl-CoA dehydrogenase (ACADSB). Also called: 2-methylbutyryl-CoA dehydrogenase deficiency; SBCAD deficiency; 2-methylbutyric aciduria; Short branched-chain acyl-CoA dehydrogenase deficiency; 2-methylbutyrylglycinuria. Identifiers: Orphanet 79157, MedGen C1864912, MONDO:0012392, OMIM 610006, HP:0020147.

Allele frequency attached by ClinVar (database versions not stated): TOPMed 0.00976; gnomAD 0.00821 and 0.00878; 1000 Genomes Project 30x 0.01249; 1000 Genomes Project 0.01058.

Submissions (2):

Illumina Laboratory Services, Illumina
Classification: Benign for Deficiency of 2-methylbutyryl-CoA dehydrogenase. Last evaluated: 2018-01-12. Review status: criteria provided, single submitter. Criteria: ICSL Variant Classification Criteria 13 December 2019. Collection method: clinical testing. Allele origin: germline.
Comment: This variant was observed in the ICSL laboratory as part of a predisposition screen in an ostensibly healthy population. It had not been previously curated by ICSL or reported in the Human Gene Mutation Database (HGMD: prior to June 1st, 2018), and was therefore a candidate for classification through an automated scoring system. Utilizing variant allele frequency, disease prevalence and penetrance estimates, and inheritance mode, an automated score was calculated to assess if this variant is too frequent to cause the disease. Based on the score and internal cut-off values, a variant classified as benign is not then subjected to further curation. The score for this variant resulted in a classification of benign for this disease.

Breakthrough Genomics
Classification: Benign. Review status: criteria provided, single submitter. Criteria: ACMG Guidelines, 2015. Collection method: not provided. Allele origin: germline. Inheritance: Autosomal recessive inheritance. Affected: yes.